The following is an entry in ClinVar:

NM_173628.4(DNAH17):c.8561C>T (p.Ser2854Leu)

Gene: DNAH17 (dynein axonemal heavy chain 17; minus strand). Cytogenetic location: 17q25.3.
Variant type: single nucleotide variant.
Coding change: c.8561C>T on transcript NM_173628.4 (MANE Select); coding-DNA position 8561, C replaced by T.
Protein change: p.Ser2854Leu; replaces serine 2854 with leucine.
Molecular consequence: missense variant.
Genome position (GRCh38, 1-based): chr17:78,468,834, G>A on the plus strand (C>T on the coding strand, the complement: DNAH17 is on the minus strand). VCF-style: chr17-78468834-G-A. GRCh37 (hg19) VCF-style: chr17-76464916-G-A.
Other names: short protein forms S2854L.
Identifiers: ClinVar variation 1290237 (VCV001290237.5), dbSNP rs635874, ClinGen allele CA8801742.

ClinVar aggregate classification (germline): Benign. Review status: criteria provided, multiple submitters, no conflicts (2 of 4 stars). 3 submissions from 3 submitters: Benign (2). 1 of the submissions does not count toward it. Last evaluated 2021-05-04.

Conditions:
DNAH17-related disorder. Also called: DNAH17-related condition.

Allele frequency attached by ClinVar (database versions not stated): gnomAD exomes 0.06719 and 0.07555; ExAC 0.07760; gnomAD 0.11604 and 0.12092; 1000 Genomes Project 0.11741; ESP Exome Variant Server 0.12039; 1000 Genomes Project 30x 0.12289; TOPMed 0.12801.
gnomAD v4.1: 116,461 of 1,613,864 alleles (7.2%); highest among the groups gnomAD compares: African/African-American, 25%; 5,780 homozygotes.

Submissions (3):

GeneDx
Classification: Benign. Last evaluated: 2021-05-04. Review status: criteria provided, single submitter. Criteria: GeneDx Variant Classification Process June 2021. Collection method: clinical testing. Allele origin: germline. Affected: yes.

Breakthrough Genomics
Classification: Benign. Review status: criteria provided, single submitter. Criteria: ACMG Guidelines, 2015. Collection method: not provided. Allele origin: germline. Inheritance: Autosomal recessive inheritance. Affected: yes.

PreventionGenetics, part of Exact Sciences
Classification: Benign for DNAH17-related condition. Last evaluated: 2019-10-28. Review status: no assertion criteria provided. Collection method: clinical testing. Allele origin: germline. Not counted in ClinVar's aggregate classification.
Comment: This variant is classified as benign based on ACMG/AMP sequence variant interpretation guidelines (Richards et al. 2015 PMID: 25741868, with internal and published modifications).